The following is an entry in ClinVar:

ClinVar aggregate classification (germline): conflicting data from submitters (0 of 4 stars; one submission).

Submission:

ISCA site 1
Classification: conflicting data from submitters. Last evaluated: 2010-12-22. Review status: no assertion criteria provided. Collection method: clinical testing. Allele origin: unknown, paternal. Affected: yes. Observed: 2 variant alleles.
Comment: Pathogenic(1), Uncertain significance(1)

Copy number variation identified through the course of routine clinical cytogenomic testing in postnatal populations, with clinical assertions as classified by the original submitter. For data from the original published study, Kaminsky, et al. 2011 (PubMed 21844811), please see nstd101.

GRCh38/hg38 4q35.2(chr4:188993014-189975519)x1

Genes: FRG1 (FSHD region gene 1; plus strand), FRG1-DT (FRG1 divergent transcript; minus strand), LINC01262 (long intergenic non-protein coding RNA 1262; plus strand), LINC01596 (long intergenic non-protein coding RNA 1596; plus strand), LOC123493254 (Sharpr-MPRA regulatory region 651; plus strand) and 8 more. Cytogenetic location: 4q35.2.
Variant type: copy number loss.
Change: copy number 1 (one copy instead of two) of chr4:188,993,014-189,975,519 (982.5 kb, GRCh38 coordinates, 1-based), cytogenetic band 4q35.2.
Identifiers: ClinVar variation 146430 (VCV000146430.3).